The following is an entry in ClinVar:

NM_017780.4(CHD7):c.530C>T (p.Pro177Leu)

Gene: CHD7 (chromodomain helicase DNA binding protein 7; plus strand). Cytogenetic location: 8q12.2.
Variant type: single nucleotide variant.
Coding change: c.530C>T on transcript NM_017780.4 (MANE Select); coding-DNA position 530, C replaced by T.
Protein change: p.Pro177Leu; replaces proline 177 with leucine.
Molecular consequence: missense variant.
Genome position (GRCh38, 1-based): chr8:60,741,962, C>T. VCF-style: chr8-60741962-C-T. GRCh37 (hg19) VCF-style: chr8-61654521-C-T.
Other names: c.530C>T, p.Pro177Leu (NM_001316690.1); short protein forms P177L.
Identifiers: ClinVar variation 2704352 (VCV002704352.3), dbSNP rs541311313, ClinGen allele CA371297825.

ClinVar aggregate classification (germline): Uncertain significance (1 of 4 stars; one submission).

Conditions:
CHARGE syndrome (CHARGE). Also called: Hittner Hirsch Kreh syndrome; CHARGE ASSOCIATION--COLOBOMA, HEART ANOMALY, CHOANAL ATRESIA, RETARDATION, GENITAL AND EAR ANOMALIES; Coloboma, heart anomaly, choanal atresia, retardation, genital and ear anomalies; CHARGE association; Hall-Hittner syndrome. Identifiers: Orphanet 138, MedGen C0265354, MONDO:0008965.

Submission:

Labcorp Genetics (formerly Invitae), Labcorp
Classification: Uncertain significance for CHARGE syndrome. Last evaluated: 2023-12-19. Review status: criteria provided, single submitter. Criteria: Invitae Variant Classification Sherloc (09022015). Collection method: clinical testing. Allele origin: germline.
Comment: This sequence change replaces proline, which is neutral and non-polar, with leucine, which is neutral and non-polar, at codon 177 of the CHD7 protein (p.Pro177Leu). This variant is not present in population databases (gnomAD no frequency). This variant has not been reported in the literature in individuals affected with CHD7-related conditions. Advanced modeling of protein sequence and biophysical properties (such as structural, functional, and spatial information, amino acid conservation, physicochemical variation, residue mobility, and thermodynamic stability) performed at Invitae indicates that this missense variant is not expected to disrupt CHD7 protein function with a negative predictive value of 95%. In summary, the available evidence is currently insufficient to determine the role of this variant in disease. Therefore, it has been classified as a Variant of Uncertain Significance.